The following is an entry in ClinVar:

NM_004006.3(DMD):c.9396C>T (p.Ala3132=)

Gene: DMD (dystrophin; minus strand). Cytogenetic location: Xp21.2.
Variant type: single nucleotide variant.
Coding change: c.9396C>T on transcript NM_004006.3 (MANE Select); coding-DNA position 9396, C replaced by T.
Protein change: p.Ala3132=; no amino-acid change (alanine 3132 retained).
Molecular consequence: synonymous variant.
Genome position (GRCh38, 1-based): chrX:31,209,665, G>A on the plus strand (C>T on the coding strand, the complement: DMD is on the minus strand). VCF-style: chrX-31209665-G-A. GRCh37 (hg19) VCF-style: chrX-31227782-G-A.
Other names: c.9372C>T, p.Ala3124= (NM_000109.4); c.9384C>T, p.Ala3128= (NM_004009.3); c.9027C>T, p.Ala3009= (NM_004010.3); c.5373C>T, p.Ala1791= (NM_004011.4); c.5364C>T, p.Ala1788= (NM_004012.4); c.2016C>T, p.Ala672= (NM_004013.3, NM_004020.4, NM_004021.3 and 2 more transcripts); c.1209C>T, p.Ala403= (NM_004014.3); c.192C>T, p.Ala64= (NM_004015.3, NM_004016.3, NM_004017.3 and 2 more transcripts).
Identifiers: ClinVar variation 514961 (VCV000514961.2), dbSNP rs1556282217, ClinGen allele CA515857285.

ClinVar aggregate classification (germline): Likely benign. Review status: criteria provided, single submitter (1 of 4 stars). 2 submissions from 2 submitters: Likely benign (1). 1 of the submissions does not count toward it. Last evaluated 2018-01-23.

Conditions:
Dystrophin deficiency.
Cardiomyopathy (CMYO). Also called: Cardiomyopathies. Identifiers: Orphanet 167848, MedGen C0878544, MONDO:0004994, HP:0001638. Inheritance: Various modes of inheritance.
Becker muscular dystrophy (BMD). Also called: Becker Muscular Dystrophy (BMD); MUSCULAR DYSTROPHY, PSEUDOHYPERTROPHIC PROGRESSIVE, BECKER TYPE. Identifiers: Orphanet 98895, MedGen C0917713, MONDO:0010311, OMIM 300376.
Duchenne muscular dystrophy (DMD). Also called: Duchenne Muscular Dystrophy (DMD); MUSCULAR DYSTROPHY, PSEUDOHYPERTROPHIC PROGRESSIVE, DUCHENNE TYPE. Identifiers: Orphanet 98896, MedGen C0013264, MONDO:0010679, OMIM 310200.

Submissions (2):

GeneDx
Classification: Likely benign. Last evaluated: 2018-01-23. Review status: criteria provided, single submitter. Criteria: GeneDx Variant Classification (06012015). Collection method: clinical testing. Allele origin: germline. Affected: yes.
Comment: This variant is considered likely benign or benign based on one or more of the following criteria: it is a conservative change, it occurs at a poorly conserved position in the protein, it is predicted to be benign by multiple in silico algorithms, and/or has population frequency not consistent with disease.

Natera, Inc.
Classification: Likely benign for Becker muscular dystrophy; Cardiomyopathy; Duchenne muscular dystrophy; Dystrophin deficiency. Last evaluated: 2018-11-14. Review status: no assertion criteria provided. Collection method: clinical testing. Allele origin: germline. Not counted in ClinVar's aggregate classification.